The following is an entry in ClinVar:

ClinVar aggregate classification (germline): Uncertain significance. Review status: criteria provided, multiple submitters, no conflicts (2 of 4 stars). 2 submissions from 2 submitters: Uncertain significance (2). Last evaluated 2025-07-12.

Allele frequency attached by ClinVar (database versions not stated): gnomAD 0.00001; gnomAD exomes 0.00001; ExAC 0.00002.
gnomAD v4.1: 12 of 1,613,536 alleles (0.00074%); highest among the groups gnomAD compares: South Asian, 0.0022%; no homozygotes.

Submissions (2):

Ambry Genetics
Classification: Uncertain significance. Last evaluated: 2025-07-12. Review status: criteria provided, single submitter. Criteria: Ambry Variant Classification Scheme 2023. Collection method: clinical testing. Allele origin: germline.

Labcorp Genetics (formerly Invitae), Labcorp
Classification: Uncertain significance. Last evaluated: 2022-11-08. Review status: criteria provided, single submitter. Criteria: Invitae Variant Classification Sherloc (09022015). Collection method: clinical testing. Allele origin: germline.
Comment: Algorithms developed to predict the effect of missense changes on protein structure and function are either unavailable or do not agree on the potential impact of this missense change (SIFT: "Deleterious"; PolyPhen-2: "Probably Damaging"; Align-GVGD: "Class C0"). In summary, the available evidence is currently insufficient to determine the role of this variant in disease. Therefore, it has been classified as a Variant of Uncertain Significance. ClinVar contains an entry for this variant (Variation ID: 1489213). This variant has not been reported in the literature in individuals affected with HMCN1-related conditions. This variant is present in population databases (rs755200248, gnomAD 0.002%). This sequence change replaces asparagine, which is neutral and polar, with serine, which is neutral and polar, at codon 1622 of the HMCN1 protein (p.Asn1622Ser).

NM_031935.3(HMCN1):c.4865A>G (p.Asn1622Ser)

Gene: HMCN1 (hemicentin 1; plus strand). Cytogenetic location: 1q31.1.
Variant type: single nucleotide variant.
Coding change: c.4865A>G on transcript NM_031935.3 (MANE Select); coding-DNA position 4865, A replaced by G.
Protein change: p.Asn1622Ser; replaces asparagine 1622 with serine.
Molecular consequence: missense variant.
Genome position (GRCh38, 1-based): chr1:186,015,393, A>G. VCF-style: chr1-186015393-A-G. GRCh37 (hg19) VCF-style: chr1-185984525-A-G.
Other names: c.4865A>G (NM_031935.2); short protein forms N1622S.
Identifiers: ClinVar variation 1489213 (VCV001489213.7), dbSNP rs755200248, ClinGen allele CA1292119.